The following is an entry in ClinVar:

NM_001374385.1(ATP8B1):c.1798C>T (p.Arg600Trp)

Gene: ATP8B1 (ATPase phospholipid transporting 8B1; minus strand). Cytogenetic location: 18q21.31.
Variant type: single nucleotide variant.
Coding change: c.1798C>T on transcript NM_001374385.1 (MANE Select); coding-DNA position 1798, C replaced by T.
Protein change: p.Arg600Trp; replaces arginine 600 with tryptophan.
Molecular consequence: missense variant.
Genome position (GRCh38, 1-based): chr18:57,674,855, G>A on the plus strand (C>T on the coding strand, the complement: ATP8B1 is on the minus strand). VCF-style: chr18-57674855-G-A. GRCh37 (hg19) VCF-style: chr18-55342087-G-A.
Other names: c.1648C>T, p.Arg550Trp (NM_001374386.1); c.1798C>T, p.Arg600Trp (NM_005603.6); short protein forms R550W, R600W.
Identifiers: ClinVar variation 2439403 (VCV002439403.11), dbSNP rs780186596, ClinGen allele CA402560653.

ClinVar aggregate classification (germline): Conflicting classifications of pathogenicity. Review status: criteria provided, conflicting classifications (1 of 4 stars). 7 submissions from 7 submitters: Pathogenic (4); Likely pathogenic (2); Uncertain significance (1). Last evaluated 2026-04-14.

Conditions:
Familial intrahepatic cholestasis. Identifiers: Orphanet 284385, MedGen CN296401, MONDO:0017290.
Progressive familial intrahepatic cholestasis type 1. Also called: BYLER DISEASE; Byler's disease; Severe ATP8B1 Deficiency (Progressive Familial Intrahepatic Cholestasis Type 1 [PFIC1]). Identifiers: Orphanet 79306, MedGen C4551898, MONDO:0008892, OMIM 211600.
Progressive familial intrahepatic cholestasis (PFIC). Also called: Progressive family intrahepatic cholestasis; Progressive intrahepatic cholestasis. Identifiers: Orphanet 172, MedGen C0268312, MONDO:0015762.
Benign recurrent intrahepatic cholestasis type 1. Also called: SUMMERSKILL SYNDROME; Mild-to-Moderate ATP8B1 Deficiency (Benign Recurrent Intrahepatic Cholestasis 1 [BRIC1]). Identifiers: Orphanet 65682, Orphanet 99960, MedGen C4551899, MONDO:0009469, OMIM 243300.
Cholestasis, intrahepatic, of pregnancy, 1 (ICP1). Also called: CHOLESTASIS, PREGNANCY-RELATED, 1. Identifiers: Orphanet 69665, MedGen C3549845, MONDO:0007829, OMIM 147480.

Allele frequency attached by ClinVar (database versions not stated): gnomAD 0.00001.
gnomAD v4.1: 5 of 1,613,930 alleles (0.00031%); highest among the groups gnomAD compares: East Asian, 0.0022%; no homozygotes.

Submissions (7):

Genomenon, Inc
Classification: Likely pathogenic for Familial intrahepatic cholestasis. Last evaluated: 2026-04-14. Review status: criteria provided, single submitter. Criteria: Genomenon Sequence Variant Interpretation Standards - Updated. Collection method: curation. Allele origin: germline. Affected: yes.
Comment: ATP8B1 p.Arg600Trp (c.1798C>T) is a missense variant that changes the amino acid at residue 600 from Arginine to Tryptophan. This variant has been observed in at least one proband with features of ATP8B1-deficiency (PMID:30366773;15239083;20414253;20232290;19260995;33666275). Functional studies have been reported (PMID:18668687). The presence of pathogenic/likely pathogenic missense variant(s) at the same amino acid position indicates that this residue is likely important for protein function. It is absent or not present at a significant frequency in gnomAD. In silico models predict that this variant is possibly or probably damaging. In conclusion, we classify ATP8B1 p.Arg600Trp (c.1798C>T) as a likely pathogenic variant.

Fulgent Genetics
Classification: Likely pathogenic for Cholestasis, intrahepatic, of pregnancy, 1; Progressive familial intrahepatic cholestasis type 1; Benign recurrent intrahepatic cholestasis type 1. Last evaluated: 2024-04-08. Review status: criteria provided, single submitter. Criteria: ACMG Guidelines, 2015. Collection method: clinical testing. Allele origin: germline.

Women's Health and Genetics/Laboratory Corporation of America, LabCorp
Classification: Pathogenic for Progressive familial intrahepatic cholestasis. Last evaluated: 2024-04-05. Review status: criteria provided, single submitter. Criteria: LabCorp Variant Classification Summary - May 2015. Collection method: clinical testing. Allele origin: germline.
Comment: Variant summary: ATP8B1 c.1798C>T (p.Arg600Trp) results in a non-conservative amino acid change located in the P-type ATPase, haloacid dehalogenase domain (IPR044492) of the encoded protein sequence. Four of four in-silico tools predict a damaging effect of the variant on protein function. The variant was absent in 251462 control chromosomes (gnomAD). c.1798C>T has been reported in the literature in multiple individuals affected with Familial Intrahepatic Cholestasis (e.g. van Wessel_2021). These data indicate that the variant is very likely to be associated with disease. The following publications have been ascertained in the context of this evaluation (PMID: 33666275). ClinVar contains an entry for this variant (Variation ID: 2439403). Based on the evidence outlined above, the variant was classified as pathogenic.

Baylor Genetics
Classification: Pathogenic for Benign recurrent intrahepatic cholestasis type 1. Last evaluated: 2023-10-25. Review status: criteria provided, single submitter. Criteria: ACMG Guidelines, 2015. Collection method: clinical testing. Allele origin: unknown.

Labcorp Genetics (formerly Invitae), Labcorp
Classification: Pathogenic. Last evaluated: 2023-09-17. Review status: criteria provided, single submitter. Criteria: Invitae Variant Classification Sherloc (09022015). Collection method: clinical testing. Allele origin: germline.
Comment: This sequence change replaces arginine, which is basic and polar, with tryptophan, which is neutral and slightly polar, at codon 600 of the ATP8B1 protein (p.Arg600Trp). This variant is present in population databases (no rsID available, gnomAD 0.06%). This missense change has been observed in individuals with cholestasis (PMID: 15239083, 19260995, 20232290, 20414253, 30366773, 33666275). ClinVar contains an entry for this variant (Variation ID: 2439403). Advanced modeling of protein sequence and biophysical properties (such as structural, functional, and spatial information, amino acid conservation, physicochemical variation, residue mobility, and thermodynamic stability) performed at Invitae indicates that this missense variant is expected to disrupt ATP8B1 protein function. For these reasons, this variant has been classified as Pathogenic.

Revvity Omics, Revvity
Classification: Uncertain significance. Last evaluated: 2021-04-22. Review status: criteria provided, single submitter. Criteria: ACMG Guidelines, 2015. Collection method: clinical testing. Allele origin: germline.

Centre for Inherited Metabolic Diseases, Karolinska University Hospital
Classification: Pathogenic for Progressive familial intrahepatic cholestasis type 1. Review status: criteria provided, single submitter. Criteria: ACMG Guidelines, 2015. Collection method: clinical testing. Allele origin: germline. Inheritance: Autosomal recessive inheritance. Affected: yes. Observed: 1 homozygote.

Literature cited by the submitters: PubMed 30366773 (cited by Genomenon, Inc and Labcorp Genetics (formerly Invitae), Labcorp); PubMed 15239083 (cited by Genomenon, Inc and Labcorp Genetics (formerly Invitae), Labcorp); PubMed 20414253 (cited by Genomenon, Inc and Labcorp Genetics (formerly Invitae), Labcorp); PubMed 20232290 (cited by Genomenon, Inc and Labcorp Genetics (formerly Invitae), Labcorp); PubMed 19260995 (cited by Genomenon, Inc and Labcorp Genetics (formerly Invitae), Labcorp); PubMed 33666275 (cited by 3 submitters); PubMed 18668687 (cited by Genomenon, Inc).